The following is an entry in ClinVar:

NM_152419.3(HGSNAT):c.468C>T (p.Asn156=)

Gene: HGSNAT (heparan-alpha-glucosaminide N-acetyltransferase; plus strand). Cytogenetic location: 8p11.21.
Variant type: single nucleotide variant.
Coding change: c.468C>T on transcript NM_152419.3 (MANE Select); coding-DNA position 468, C replaced by T.
Protein change: p.Asn156=; no amino-acid change (asparagine 156 retained).
Molecular consequence: synonymous variant. On other transcripts: 5 prime UTR variant (1).
Genome position (GRCh38, 1-based): chr8:43,159,019, C>T. VCF-style: chr8-43159019-C-T. GRCh37 (hg19) VCF-style: chr8-43014162-C-T.
Other names: c.468C>T, p.Asn156= (NM_001363227.2, NM_001363228.2); c.-366C>T (NM_001363229.2); c.468C>T (NM_152419.2).
Identifiers: ClinVar variation 1593550 (VCV001593550.10), dbSNP rs376382820, ClinGen allele CA4736511.

ClinVar aggregate classification (germline): Likely benign. Review status: criteria provided, multiple submitters, no conflicts (2 of 4 stars). 3 submissions from 3 submitters: Likely benign (3). Last evaluated 2026-01-13.

Conditions:
Mucopolysaccharidosis, MPS-III-C (MPS3C). Also called: Mucopolysaccharidosis type IIIC (Sanfilippo C); mucopolysaccharidosis type 3C; MUCOPOLYSACCHARIDOSIS, TYPE IIIC; SANFILIPPO SYNDROME C; MPS III C; MPS IIIC (Sanfilippo Syndrome Type C). Identifiers: Orphanet 581, Orphanet 79271, MedGen C0086649, MONDO:0009657, OMIM 252930.
Retinitis pigmentosa 73 (RP73). Identifiers: Orphanet 791, MedGen C4225287, MONDO:0014687, OMIM 616544.
HGSNAT-related disorder. Also called: HGSNAT-related condition.

Allele frequency attached by ClinVar (database versions not stated): 1000 Genomes Project 0.00020; gnomAD exomes 0.00008 and 0.00004; 1000 Genomes Project 30x 0.00016; ExAC 0.00007; gnomAD 0.00022 and 0.00021; ESP Exome Variant Server 0.00025; TOPMed 0.00031.
gnomAD v4.1: 96 of 1,613,674 alleles (0.0059%); highest among the groups gnomAD compares: African/African-American, 0.064%; no homozygotes.

Submissions (3):

Labcorp Genetics (formerly Invitae), Labcorp
Classification: Likely benign for Retinitis pigmentosa 73; Mucopolysaccharidosis, MPS-III-C. Last evaluated: 2026-01-13. Review status: criteria provided, single submitter. Criteria: Invitae Variant Classification Sherloc (09022015). Collection method: clinical testing. Allele origin: germline.

PreventionGenetics, part of Exact Sciences
Classification: Likely benign for HGSNAT-related condition. Last evaluated: 2024-10-03. Review status: criteria provided, single submitter. Criteria: ACMG Guidelines, 2015. Collection method: clinical testing. Allele origin: germline.
Comment: This variant is classified as likely benign based on ACMG/AMP sequence variant interpretation guidelines (Richards et al. 2015 PMID: 25741868, with internal and published modifications).

Blueprint Genetics
Classification: Likely benign. Last evaluated: 2024-07-11. Review status: criteria provided, single submitter. Criteria: ACMG Guidelines, 2015. Collection method: clinical testing. Allele origin: germline.